The following is an entry in ClinVar:

NM_005359.6(SMAD4):c.1230G>T (p.Gln410His)

Gene: SMAD4 (SMAD family member 4; plus strand). Cytogenetic location: 18q21.2.
Variant type: single nucleotide variant.
Coding change: c.1230G>T on transcript NM_005359.6 (MANE Select); coding-DNA position 1230, G replaced by T.
Protein change: p.Gln410His; replaces glutamine 410 with histidine.
Molecular consequence: missense variant. On other transcripts: non-coding transcript variant (1).
Genome position (GRCh38, 1-based): chr18:51,067,109, G>T. VCF-style: chr18-51067109-G-T. GRCh37 (hg19) VCF-style: chr18-48593479-G-T.
Other names: c.1230G>T, p.Gln410His (NM_001407041.1, NM_001407042.1); short protein forms Q410H.
Identifiers: ClinVar variation 4757014 (VCV004757014.1).

ClinVar aggregate classification (germline): Uncertain significance (1 of 4 stars; one submission).

Conditions:
Hereditary cancer-predisposing syndrome. Also called: Tumor predisposition; Hereditary Cancer Syndrome; Neoplastic Syndromes, Hereditary; Hereditary neoplastic syndrome. Identifiers: Orphanet 140162, MedGen C0027672, MeSH D009386, MONDO:0015356.

Submission:

Color Diagnostics, LLC DBA Color Health
Classification: Uncertain significance for Hereditary cancer-predisposing syndrome. Last evaluated: 2025-06-23. Review status: criteria provided, single submitter. Criteria: ACMG Guidelines, 2015. Collection method: clinical testing. Allele origin: germline.
Comment: This missense variant replaces glutamine with histidine at codon 410 of the SMAD4 protein. Computational prediction suggests that this variant may have deleterious impact on protein structure and function. To our knowledge, functional studies have not been reported for this variant. This variant has not been reported in individuals affected with SMAD4-related disorders in the literature. This variant has not been identified in the general population by the Genome Aggregation Database (gnomAD). The available evidence is insufficient to determine the role of this variant in disease conclusively. Therefore, this variant is classified as a Variant of Uncertain Significance.